The following is an entry in ClinVar:

NM_004415.4(DSP):c.2787del (p.Glu929fs)

Gene: DSP (desmoplakin; plus strand). Cytogenetic location: 6p24.3.
Variant type: Deletion.
Coding change: c.2787del on transcript NM_004415.4 (MANE Select); coding-DNA position 2787, one base deleted (G; older notation c.2787delG).
Protein change: p.Glu929fs; shifts the reading frame from glutamic acid 929.
Molecular consequence: frameshift variant.
Genome position (GRCh38, 1-based): chr6:7,576,450, G deleted. VCF-style (leftmost placement, unchanged base first): chr6-7576449-AG-A. GRCh37 (hg19) VCF-style: chr6-7576682-AG-A.
Other names: c.2787del, p.Glu929fs (NM_001008844.3, NM_001319034.2); short protein forms E929fs.
Identifiers: ClinVar variation 4856017 (VCV004856017.1).
Genomic context (GRCh38, chr6:7,576,449, plus strand): 5'-AGGATTCCTTAGAATCCATGAAATTTGGAGATTCCAACACAGTCATGCGGTTTTTGAATG[AG>A]CAGAAGGTATAAGCCAACTTTTTGTTCCATAGCTGTTTTGAGATTAATTGGGTGTAATTC-3'

ClinVar aggregate classification (germline): Likely pathogenic (1 of 4 stars; one submission).

Conditions:
Arrhythmogenic right ventricular dysplasia 8 (ARVD8). Also called: ARRHYTHMOGENIC RIGHT VENTRICULAR DYSPLASIA, FAMILIAL, 8; ARRHYTHMOGENIC RIGHT VENTRICULAR CARDIOMYOPATHY 8; Arrhythmogenic Right Ventricular Dysplasia/Cardiomyopathy 8. Identifiers: MedGen C1843896, MONDO:0011831, OMIM 607450.

Submission:

3billion
Classification: Likely pathogenic for Arrhythmogenic right ventricular dysplasia 8. Last evaluated: 2025-09-02. Review status: criteria provided, single submitter. Criteria: ACMG Guidelines, 2015. Collection method: clinical testing. Allele origin: germline. Affected: yes.
Comment: The variant is not observed in the gnomAD v4.1.0 dataset. Predicted Consequence/Location: Frameshift: predicted to result in a loss or disruption of normal protein function through nonsense-mediated decay (NMD) or protein truncation. Multiple pathogenic variants are reported downstream of the variant. Therefore, this variant is classified as Likely pathogenic according to the recommendation of ACMG/AMP guideline.